The following is an entry in ClinVar:

NM_000465.4(BARD1):c.1845A>T (p.Gln615His)

Gene: BARD1 (BRCA1 associated RING domain 1; minus strand). Cytogenetic location: 2q35.
Variant type: single nucleotide variant.
Coding change: c.1845A>T on transcript NM_000465.4 (MANE Select); coding-DNA position 1845, A replaced by T.
Protein change: p.Gln615His; replaces glutamine 615 with histidine.
Molecular consequence: missense variant. On other transcripts: non-coding transcript variant (3), intron variant (1).
Genome position (GRCh38, 1-based): chr2:214,745,125, T>A on the plus strand (A>T on the coding strand, the complement: BARD1 is on the minus strand). VCF-style: chr2-214745125-T-A. GRCh37 (hg19) VCF-style: chr2-215609849-T-A.
Other names: c.1788A>T, p.Gln596His (NM_001282543.2); c.492A>T, p.Gln164His (NM_001282545.2); c.435A>T, p.Gln145His (NM_001282548.2); c.365-14617A>T (NM_001282549.2); short protein forms Q164H, Q596H, Q145H, Q615H.
Identifiers: ClinVar variation 1046090 (VCV001046090.9), dbSNP rs1693040542, ClinGen allele CA350452227.
Genomic context (GRCh38, chr2:214,745,125, plus strand): 5'-ACATTCAAATTTTAGAATCCAGCATCCATTGAGAATCCCAAGCATACACTTCAAGGTACT[T>A]TGAACTGCATCACCAGGAACAACAACATGAGTTACTAAAATACAAAAAAAGCAGTAAGAG-3'
Protein context (NP_000456.2, residues 605-625): THVVVPGDAV[Gln615His]STLKCMLGIL

ClinVar aggregate classification (germline): Uncertain significance (1 of 4 stars; one submission).

Conditions:
Familial cancer of breast. Also called: Hereditary breast cancer; hereditary breast carcinoma; BREAST CANCER, FAMILIAL. Identifiers: Orphanet 227535, MedGen C0346153, MONDO:0016419, OMIM 114480. Disease mechanism: loss of function.

Submission:

Labcorp Genetics (formerly Invitae), Labcorp
Classification: Uncertain significance for Familial cancer of breast. Last evaluated: 2020-09-24. Review status: criteria provided, single submitter. Criteria: Invitae Variant Classification Sherloc (09022015). Collection method: clinical testing. Allele origin: germline.
Comment: In summary, the available evidence is currently insufficient to determine the role of this variant in disease. Therefore, it has been classified as a Variant of Uncertain Significance. Algorithms developed to predict the effect of missense changes on protein structure and function are either unavailable or do not agree on the potential impact of this missense change (SIFT: "Tolerated"; PolyPhen-2: "Probably Damaging"; Align-GVGD: "Class C0"). This variant has not been reported in the literature in individuals with BARD1-related conditions. This variant is not present in population databases (ExAC no frequency). This sequence change replaces glutamine with histidine at codon 615 of the BARD1 protein (p.Gln615His). The glutamine residue is moderately conserved and there is a small physicochemical difference between glutamine and histidine.